The following is an entry in ClinVar:

NM_020971.3(SPTBN4):c.2853C>T (p.Gly951=)

Gene: SPTBN4 (spectrin beta, non-erythrocytic 4; plus strand). Cytogenetic location: 19q13.2.
Variant type: single nucleotide variant.
Coding change: c.2853C>T on transcript NM_020971.3 (MANE Select); coding-DNA position 2853, C replaced by T.
Protein change: p.Gly951=; no amino-acid change (glycine 951 retained).
Molecular consequence: synonymous variant.
Genome position (GRCh38, 1-based): chr19:40,515,398, C>T. VCF-style: chr19-40515398-C-T. GRCh37 (hg19) VCF-style: chr19-41021305-C-T.
Identifiers: ClinVar variation 714787 (VCV000714787.6), dbSNP rs150475558, ClinGen allele CA9445926.

ClinVar aggregate classification (germline): Benign/Likely benign. Review status: criteria provided, multiple submitters, no conflicts (2 of 4 stars). 3 submissions from 3 submitters: Benign (1); Likely benign (2). Last evaluated 2026-06-27.

Conditions:
SPTBN4-related disorder. Also called: SPTBN4-related condition.

Allele frequency attached by ClinVar (database versions not stated): gnomAD exomes 0.00019; 1000 Genomes Project 0.00040; ExAC 0.00050; gnomAD 0.00052 and 0.00063; 1000 Genomes Project 30x 0.00062; ESP Exome Variant Server 0.00069; TOPMed 0.00074.
gnomAD v4.1: 221 of 1,595,432 alleles (0.014%); highest among the groups gnomAD compares: African/African-American, 0.26%; 1 homozygote.

Submissions (3):

PreventionGenetics, part of Exact Sciences
Classification: Likely benign for SPTBN4-related condition. Last evaluated: 2026-06-27. Review status: criteria provided, single submitter. Criteria: ACMG Guidelines, 2015. Collection method: clinical testing. Allele origin: germline.
Comment: This variant is classified as likely benign based on ACMG/AMP sequence variant interpretation guidelines (Richards et al. 2015 PMID: 25741868, with internal and published modifications).

Blueprint Genetics
Classification: Likely benign. Last evaluated: 2024-10-24. Review status: criteria provided, single submitter. Criteria: ACMG Guidelines, 2015. Collection method: clinical testing. Allele origin: germline.

Labcorp Genetics (formerly Invitae), Labcorp
Classification: Benign. Last evaluated: 2019-12-31. Review status: criteria provided, single submitter. Criteria: Invitae Variant Classification Sherloc (09022015). Collection method: clinical testing. Allele origin: germline.